The following is an entry in ClinVar:

ClinVar aggregate classification (germline): Pathogenic (1 of 4 stars; one submission).

Submission:

Labcorp Genetics (formerly Invitae), Labcorp
Classification: Pathogenic. Last evaluated: 2024-06-17. Review status: criteria provided, single submitter. Criteria: Invitae Variant Classification Sherloc (09022015). Collection method: clinical testing. Allele origin: germline.
Comment: This sequence change replaces glycine, which is neutral and non-polar, with valine, which is neutral and non-polar, at codon 66 of the IFT27 protein (p.Gly66Val). This variant is not present in population databases (gnomAD no frequency). This missense change has been observed in individual(s) with clinical features of IFT27-related conditions (Invitae). Advanced modeling of protein sequence and biophysical properties (such as structural, functional, and spatial information, amino acid conservation, physicochemical variation, residue mobility, and thermodynamic stability) performed at Invitae indicates that this missense variant is expected to disrupt IFT27 protein function with a positive predictive value of 95%. For these reasons, this variant has been classified as Pathogenic.

NM_001177701.3(IFT27):c.200G>T (p.Gly67Val)

Genes: CACNG2-DT (CACNG2 divergent transcript; plus strand), IFT27 (intraflagellar transport 27; minus strand), LOC126863139 (CDK7 strongly-dependent group 2 enhancer GRCh37_chr22:37161913-37163112; plus strand). Cytogenetic location: 22q12.3.
Variant type: single nucleotide variant.
Coding change: c.200G>T on transcript NM_001177701.3 (MANE Select); coding-DNA position 200, G replaced by T.
Protein change: p.Gly67Val; replaces glycine 67 with valine.
Molecular consequence: missense variant.
Genome position (GRCh38, 1-based): chr22:36,766,172, C>A on the plus strand (G>T on the coding strand, the complement: IFT27 is on the minus strand). VCF-style: chr22-36766172-C-A. GRCh37 (hg19) VCF-style: chr22-37162216-C-A.
Other names: c.200G>T, p.Gly67Val (NM_001363003.2); c.197G>T, p.Gly66Val (NM_006860.5); short protein forms G66V, G67V.
Identifiers: ClinVar variation 2756211 (VCV002756211.3), dbSNP rs1277838867, ClinGen allele CA411384440.
Genomic context (GRCh38, chr22:36,766,172, plus strand): 5'-CAGGAAAAAGACCACGTGCTACTTGCCAATTTATCCAGCATTTCCGAAAACAGCTCCTTG[C>A]CAGCAGAGTCAAAAATGAAGAGTTCCTACAATCAGAAAAGCAAGAAAAGTCTCCACGTGG-3'
Protein context (NP_001171172.1, residues 57-77): SVELFIFDSA[Gly67Val]KELFSEMLDK